The following is an entry in ClinVar:

NM_001035.3(RYR2):c.5105A>G (p.Tyr1702Cys)

Gene: RYR2 (ryanodine receptor 2; plus strand). Cytogenetic location: 1q43.
Variant type: single nucleotide variant.
Coding change: c.5105A>G on transcript NM_001035.3 (MANE Select); coding-DNA position 5105, A replaced by G.
Protein change: p.Tyr1702Cys; replaces tyrosine 1702 with cysteine.
Molecular consequence: missense variant.
Genome position (GRCh38, 1-based): chr1:237,614,233, A>G. VCF-style: chr1-237614233-A-G. GRCh37 (hg19) VCF-style: chr1-237777533-A-G.
Other names: c.5105A>G (NM_001035.2); short protein forms Y1702C.
Identifiers: ClinVar variation 2729224 (VCV002729224.5), dbSNP rs2546791655, ClinGen allele CA345404028.
Genomic context (GRCh38, chr1:237,614,233, plus strand): 5'-AACCTCAGCTCCTCTATGCCATTGAGAACAAGTACATGCCTGGTTTGCTGCGTGCTGGCT[A>G]CTATGACCTGCTGATTGACATCCACCTGAGCTCCTATGCCACTGCCAGGCTCATGATGAA-3'
Protein context (NP_001026.2, residues 1692-1712): KYMPGLLRAG[Tyr1702Cys]YDLLIDIHLS

ClinVar aggregate classification (germline): Uncertain significance. Review status: criteria provided, multiple submitters, no conflicts (2 of 4 stars). 3 submissions from 3 submitters: Uncertain significance (3). Last evaluated 2025-03-03.

Conditions:
Catecholaminergic polymorphic ventricular tachycardia 1. Also called: RYR2-Related Catecholaminergic Polymorphic Ventricular Tachycardia; VENTRICULAR TACHYCARDIA, CATECHOLAMINERGIC POLYMORPHIC, 1, WITH OR WITHOUT ATRIAL DYSFUNCTION AND/OR DILATED CARDIOMYOPATHY; VENTRICULAR TACHYCARDIA, STRESS-INDUCED POLYMORPHIC 1. Identifiers: Orphanet 3286, MedGen C1631597, MONDO:0011484, OMIM 604772.
Catecholaminergic polymorphic ventricular tachycardia (CVPT). Also called: Catecholamine-induced polymorphic ventricular tachycardia. Identifiers: Orphanet 3286, MedGen C5574922, MONDO:0017990.

Allele frequency attached by ClinVar (database versions not stated): gnomAD exomes below 0.00001.
gnomAD v4.1: 1 of 1,614,014 alleles (0.000062%); highest among the groups gnomAD compares: Non-Finnish European, 0.000085%; no homozygotes.

Submissions (3):

GeneDx
Classification: Uncertain significance. Last evaluated: 2025-03-03. Review status: criteria provided, single submitter. Criteria: GeneDx Variant Classification Process June 2021. Collection method: clinical testing. Allele origin: germline. Affected: yes.
Comment: Not observed at significant frequency in large population cohorts (gnomAD); In silico analysis supports that this missense variant has a deleterious effect on protein structure/function; Has not been previously published as pathogenic or benign to our knowledge; Not located in one of the three hot-spot regions of the RYR2 gene, where the majority of pathogenic missense variants occur (PMID: 19926015); This variant is associated with the following publications: (PMID: 19926015)

Labcorp Genetics (formerly Invitae), Labcorp
Classification: Uncertain significance for Catecholaminergic polymorphic ventricular tachycardia 1. Last evaluated: 2023-12-09. Review status: criteria provided, single submitter. Criteria: Invitae Variant Classification Sherloc (09022015). Collection method: clinical testing. Allele origin: germline.
Comment: This sequence change replaces tyrosine, which is neutral and polar, with cysteine, which is neutral and slightly polar, at codon 1702 of the RYR2 protein (p.Tyr1702Cys). This variant is not present in population databases (gnomAD no frequency). This variant has not been reported in the literature in individuals affected with RYR2-related conditions. Advanced modeling of protein sequence and biophysical properties (such as structural, functional, and spatial information, amino acid conservation, physicochemical variation, residue mobility, and thermodynamic stability) performed at Invitae indicates that this missense variant is not expected to disrupt RYR2 protein function with a negative predictive value of 95%. In summary, the available evidence is currently insufficient to determine the role of this variant in disease. Therefore, it has been classified as a Variant of Uncertain Significance.

All of Us Research Program, National Institutes of Health
Classification: Uncertain significance for Catecholaminergic polymorphic ventricular tachycardia. Last evaluated: 2023-12-01. Review status: criteria provided, single submitter. Criteria: ACMG Guidelines, 2015. Collection method: clinical testing. Allele origin: germline. Inheritance: Autosomal dominant inheritance. Observed: 1 variant allele, 1 heterozygote.
Comment: This study involves interpretation of variants in research participants for the purpose of population health screening. Participant phenotype was not available at the time of variant classification. Additional details can be found in publication PMID: 35346344, PMCID: PMC8962531